The following is an entry in ClinVar:

NM_001330260.2(SCN8A):c.1348G>A (p.Ala450Thr)

Gene: SCN8A (sodium voltage-gated channel alpha subunit 8; plus strand). Cytogenetic location: 12q13.13.
Variant type: single nucleotide variant.
Coding change: c.1348G>A on transcript NM_001330260.2 (MANE Select); coding-DNA position 1348, G replaced by A.
Protein change: p.Ala450Thr; replaces alanine 450 with threonine.
Molecular consequence: missense variant.
Genome position (GRCh38, 1-based): chr12:51,706,428, G>A. VCF-style: chr12-51706428-G-A. GRCh37 (hg19) VCF-style: chr12-52100212-G-A.
Other names: c.1348G>A, p.Ala450Thr (NM_001177984.3, NM_001369788.1, NM_014191.4); short protein forms A450T.
Identifiers: ClinVar variation 3393762 (VCV003393762.1).
Genomic context (GRCh38, chr12:51,706,428, plus strand): 5'-GTGGCTCCAGTTAATTGCCCTGGTCTGGCTTCCCTGCTGTGGCTTCTTTCCTAGGCTGCT[G>A]CGATGGCCACTTCAGCAGGAACTGTCTCAGAAGATGCCATAGAGGAAGAAGGTGAAGAAG-3'
Protein context (NP_001317189.1, residues 440-460): KKQQEEAQAA[Ala450Thr]MATSAGTVSE

ClinVar aggregate classification (germline): Uncertain significance (1 of 4 stars; one submission).

Submission:

GeneDx
Classification: Uncertain significance. Last evaluated: 2024-07-03. Review status: criteria provided, single submitter. Criteria: GeneDx Variant Classification Process June 2021. Collection method: clinical testing. Allele origin: germline. Affected: yes.
Comment: Not observed at significant frequency in large population cohorts (gnomAD); In silico analysis supports that this missense variant has a deleterious effect on protein structure/function; Has not been previously published as pathogenic or benign to our knowledge; This substitution is predicted to be in the cytoplasmic loop between the first and second homologous domains